The following is an entry in ClinVar:

ClinVar aggregate classification (germline): Uncertain significance (1 of 4 stars; one submission).

Conditions:
Combined immunodeficiency due to OX40 deficiency. Also called: OX40 DEFICIENCY; Immunodeficiency 16. Identifiers: Orphanet 431149, MedGen C3810053, MONDO:0014268, OMIM 615593.

Submission:

Labcorp Genetics (formerly Invitae), Labcorp
Classification: Uncertain significance for Combined immunodeficiency due to OX40 deficiency. Last evaluated: 2024-11-15. Review status: criteria provided, single submitter. Criteria: Invitae Variant Classification Sherloc (09022015). Collection method: clinical testing. Allele origin: germline.
Comment: This sequence change replaces phenylalanine, which is neutral and non-polar, with serine, which is neutral and polar, at codon 133 of the TNFRSF4 protein (p.Phe133Ser). This variant is not present in population databases (gnomAD no frequency). This variant has not been reported in the literature in individuals affected with TNFRSF4-related conditions. ClinVar contains an entry for this variant (Variation ID: 2844600). Invitae Evidence Modeling of protein sequence and biophysical properties (such as structural, functional, and spatial information, amino acid conservation, physicochemical variation, residue mobility, and thermodynamic stability) indicates that this missense variant is expected to disrupt TNFRSF4 protein function with a positive predictive value of 80%. In summary, the available evidence is currently insufficient to determine the role of this variant in disease. Therefore, it has been classified as a Variant of Uncertain Significance.

NM_003327.4(TNFRSF4):c.398T>C (p.Phe133Ser)

Gene: TNFRSF4 (TNF receptor superfamily member 4; minus strand). Cytogenetic location: 1p36.33.
Variant type: single nucleotide variant.
Coding change: c.398T>C on transcript NM_003327.4 (MANE Select); coding-DNA position 398, T replaced by C.
Protein change: p.Phe133Ser; replaces phenylalanine 133 with serine.
Molecular consequence: missense variant.
Genome position (GRCh38, 1-based): chr1:1,212,677, A>G on the plus strand (T>C on the coding strand, the complement: TNFRSF4 is on the minus strand). VCF-style: chr1-1212677-A-G. GRCh37 (hg19) VCF-style: chr1-1148057-A-G.
Other names: c.398T>C, p.Phe133Ser (NM_001410709.1); short protein forms F133S.
Identifiers: ClinVar variation 2844600 (VCV002844600.3), dbSNP rs2521766128, ClinGen allele CA337801009.